The following is an entry in ClinVar:

NM_000784.4(CYP27A1):c.955C>T (p.Gln319Ter)

Gene: CYP27A1 (cytochrome P450 family 27 subfamily A member 1; plus strand). Cytogenetic location: 2q35.
Variant type: single nucleotide variant.
Coding change: c.955C>T on transcript NM_000784.4 (MANE Select); coding-DNA position 955, C replaced by T.
Protein change: p.Gln319Ter; replaces glutamine 319 with a stop codon.
Molecular consequence: nonsense.
Genome position (GRCh38, 1-based): chr2:218,813,034, C>T. VCF-style: chr2-218813034-C-T. GRCh37 (hg19) VCF-style: chr2-219677757-C-T.
Other names: c.955C>T (NM_000784.3); short protein forms Q319*.
Identifiers: ClinVar variation 984204 (VCV000984204.9), dbSNP rs1943741125, ClinGen allele CA350588722.

ClinVar aggregate classification (germline): Pathogenic/Likely pathogenic. Review status: criteria provided, multiple submitters, no conflicts (2 of 4 stars). 3 submissions from 3 submitters: Pathogenic (1); Likely pathogenic (2). Last evaluated 2024-11-25.

Conditions:
Cholestanol storage disease (CTX). Also called: CEREBRAL CHOLESTERINOSIS; Cerebrotendinous Xanthomatosis; CTX: Cerebrotendinous xanthomatosis. Identifiers: Orphanet 909, MedGen C0238052, MONDO:0008948, OMIM 213700.

Submissions (3):

Natera, Inc.
Classification: Likely pathogenic for Cerebrotendinous xanthomatosis. Last evaluated: 2024-11-25. Review status: criteria provided, single submitter. Criteria: Natera Variant Classification Schema (03/2026). Collection method: clinical testing. Allele origin: germline.
Comment: The c.955C>T variant in CYP27A1 is a nonsense variant predicted to introduce a stop codon at amino acid 319. This variant is expected to result in nonsense mediated decay, truncation, or a dysfunctional protein product. This variant is rare in the general population with a frequency below the threshold expected for the associated phenotype(s). Given the available evidence, this variant is classified as Likely Pathogenic.

Labcorp Genetics (formerly Invitae), Labcorp
Classification: Pathogenic for Cholestanol storage disease. Last evaluated: 2022-09-02. Review status: criteria provided, single submitter. Criteria: Invitae Variant Classification Sherloc (09022015). Collection method: clinical testing. Allele origin: germline.
Comment: For these reasons, this variant has been classified as Pathogenic. Algorithms developed to predict the effect of sequence changes on RNA splicing suggest that this variant may create or strengthen a splice site. ClinVar contains an entry for this variant (Variation ID: 984204). This variant has not been reported in the literature in individuals affected with CYP27A1-related conditions. This variant is not present in population databases (gnomAD no frequency). This sequence change creates a premature translational stop signal (p.Gln319*) in the CYP27A1 gene. It is expected to result in an absent or disrupted protein product. Loss-of-function variants in CYP27A1 are known to be pathogenic (PMID: 9392430, 10775536, 26937392).

Myriad Genetics, Inc.
Classification: Likely pathogenic for Cholestanol storage disease. Last evaluated: 2019-12-28. Review status: criteria provided, single submitter. Criteria: Myriad Women's Health Autosomal Recessive and X-Linked Classification Criteria (2019). Collection method: clinical testing. Allele origin: unknown.
Comment: NM_000784.3(CYP27A1):c.955C>T(Q319*) is expected to be pathogenic in the context of cerebrotendinous xanthomatosis. This variant is predicted to lead to an abnormal or absent protein product due to the creation of a premature termination codon in CYP27A1, a gene where loss-of-function variants are known to be pathogenic. Please note: this variant was assessed in the context of healthy population screening.

Literature cited by the submitters: PubMed 9392430 (cited by Labcorp Genetics (formerly Invitae), Labcorp); PubMed 10775536 (cited by Labcorp Genetics (formerly Invitae), Labcorp); PubMed 26937392 (cited by Labcorp Genetics (formerly Invitae), Labcorp).